The following is an entry in ClinVar:

ClinVar aggregate classification (germline): Uncertain significance (1 of 4 stars; one submission).

Conditions:
Early-onset Lafora body disease. Also called: Epilepsy, progressive myoclonic, 10. Identifiers: Orphanet 324290, MedGen C4225258, MONDO:0014717, OMIM 616640.

Allele frequency attached by ClinVar (database versions not stated): gnomAD exomes 0.00001; ExAC 0.00002.
gnomAD v4.1: 7 of 1,613,738 alleles (0.00043%); highest among the groups gnomAD compares: Non-Finnish European, 0.00059%; no homozygotes.

Submission:

Labcorp Genetics (formerly Invitae), Labcorp
Classification: Uncertain significance for Early-onset Lafora body disease. Last evaluated: 2021-02-14. Review status: criteria provided, single submitter. Criteria: Invitae Variant Classification Sherloc (09022015). Collection method: clinical testing. Allele origin: germline.
Comment: In summary, the available evidence is currently insufficient to determine the role of this variant in disease. Therefore, it has been classified as a Variant of Uncertain Significance. Algorithms developed to predict the effect of missense changes on protein structure and function do not agree on the potential impact of this missense change (SIFT: "Deleterious"; PolyPhen-2: "Probably Damaging"; Align-GVGD: "Class C0"). This variant has not been reported in the literature in individuals with PRDM8-related disease. This variant is present in population databases (rs758969495, ExAC 0.003%). This sequence change replaces tyrosine with cysteine at codon 652 of the PRDM8 protein (p.Tyr652Cys). The tyrosine residue is moderately conserved and there is a large physicochemical difference between tyrosine and cysteine.

NM_001099403.2(PRDM8):c.1955A>G (p.Tyr652Cys)

Gene: PRDM8 (PR/SET domain 8; plus strand). Cytogenetic location: 4q21.21.
Variant type: single nucleotide variant.
Coding change: c.1955A>G on transcript NM_001099403.2 (MANE Select); coding-DNA position 1955, A replaced by G.
Protein change: p.Tyr652Cys; replaces tyrosine 652 with cysteine.
Molecular consequence: missense variant.
Genome position (GRCh38, 1-based): chr4:80,203,417, A>G. VCF-style: chr4-80203417-A-G. GRCh37 (hg19) VCF-style: chr4-81124571-A-G.
Other names: c.1955A>G, p.Tyr652Cys (NM_020226.4); short protein forms Y652C.
Identifiers: ClinVar variation 475677 (VCV000475677.10), dbSNP rs758969495, ClinGen allele CA2982488.
Genomic context (GRCh38, chr4:80,203,417, plus strand): 5'-CCTCCTTCCGCATGACCTCCGACCTGGTGTACCATATGAGGTCGCACCACAAAAAGGAGT[A>G]TGCGATGGAGCCCTTGGTGAAGCGGCGGCGAGAGGAGAAACTCAAGTGCCCCATCTGCAA-3'
Protein context (NP_001092873.1, residues 642-662): YHMRSHHKKE[Tyr652Cys]AMEPLVKRRR